The following is an entry in ClinVar:

NM_000093.5(COL5A1):c.4471A>T (p.Ile1491Phe)

Genes: COL5A1 (collagen type V alpha 1 chain; plus strand), LOC101448202 (uncharacterized LOC101448202; minus strand). Cytogenetic location: 9q34.3.
Variant type: single nucleotide variant.
Coding change: c.4471A>T on transcript NM_000093.5 (MANE Select); coding-DNA position 4471, A replaced by T.
Protein change: p.Ile1491Phe; replaces isoleucine 1491 with phenylalanine.
Molecular consequence: missense variant. On other transcripts: non-coding transcript variant (1).
Genome position (GRCh38, 1-based): chr9:134,820,140, A>T. VCF-style: chr9-134820140-A-T. GRCh37 (hg19) VCF-style: chr9-137711986-A-T.
Other names: p.I1491F:ATC>TTC; c.4471A>T, p.Ile1491Phe (NM_001278074.1); short protein forms I1491F.
Identifiers: ClinVar variation 212980 (VCV000212980.2), dbSNP rs863223457, ClinGen allele CA323187.

ClinVar aggregate classification (germline): Likely pathogenic (1 of 4 stars; one submission).

Allele frequency attached by ClinVar (database versions not stated): TOPMed 0.00001; gnomAD exomes below 0.00001; gnomAD 0.00001.
gnomAD v4.1: 2 of 1,613,906 alleles (0.00012%); highest among the groups gnomAD compares: Non-Finnish European, 0.00017%; no homozygotes.

Submission:

GeneDx
Classification: Likely pathogenic. Last evaluated: 2014-08-20. Review status: criteria provided, single submitter. Criteria: GeneDx Variant Classification (06012015). Collection method: clinical testing. Allele origin: germline. Affected: yes.
Comment: The I1491F variant has not been published as a mutation, nor has it been reported as a benign polymorphism to our knowledge. This variant was not observed in approximately 6,500 individuals of European and African American ancestry in the NHLBI Exome Sequencing Project, indicating it is not a common benign variant in these populations. In silico analysis predicts this variant is probably damaging to the protein structure/function. Moreover, missense mutations in nearby residues (G1486C, G1489R, G1489E, G1492S) have been reported in association with EDS, supporting the functional importance of this region of the protein. However, the I1491F variant is a conservative amino acid substitution, which is not likely to impact secondary protein structure as these residues share similar properties. This substitution occurs at a position that is conserved across species. Therefore, based on the currently available information, it is unclear whether this variant is a pathogenic mutation or a rare benign variant. This variant was found in COL5A1,TAAD.